The following is an entry in ClinVar:

ClinVar aggregate classification (germline): Benign. Review status: criteria provided, multiple submitters, no conflicts (2 of 4 stars). 2 submissions from 2 submitters: Benign (2). Last evaluated 2018-06-14.

Allele frequency attached by ClinVar (database versions not stated): gnomAD exomes 0.11983; gnomAD 0.12103 and 0.12739; TOPMed 0.12733; 1000 Genomes Project 30x 0.22720; 1000 Genomes Project 0.23462.
gnomAD v4.1: 70,015 of 575,798 alleles (12%); highest among the groups gnomAD compares: East Asian, 60%; 9,173 homozygotes.

Submissions (2):

GeneDx
Classification: Benign. Last evaluated: 2018-06-14. Review status: criteria provided, single submitter. Criteria: GeneDx Variant Classification (06012015). Collection method: clinical testing. Allele origin: germline. Affected: yes.
Comment: This variant is considered likely benign or benign based on one or more of the following criteria: it is a conservative change, it occurs at a poorly conserved position in the protein, it is predicted to be benign by multiple in silico algorithms, and/or has population frequency not consistent with disease.

Breakthrough Genomics
Classification: Benign. Review status: criteria provided, single submitter. Criteria: ACMG Guidelines, 2015. Collection method: not provided. Allele origin: germline. Inheritance: Autosomal recessive inheritance. Affected: yes.

NM_153240.5(NPHP3):c.2172-187A>G

Genes: NPHP3 (nephrocystin 3; minus strand), NPHP3-ACAD11 (NPHP3-ACAD11 readthrough (NMD candidate); minus strand). Cytogenetic location: 3q22.1.
Variant type: single nucleotide variant.
Coding change: c.2172-187A>G on transcript NM_153240.5 (MANE Select); 187 bases into the intron before coding-DNA position 2172, A replaced by G.
Molecular consequence: intron variant.
Genome position (GRCh38, 1-based): chr3:132,695,152, T>C on the plus strand (A>G on the coding strand, the complement: NPHP3 is on the minus strand). VCF-style: chr3-132695152-T-C. GRCh37 (hg19) VCF-style: chr3-132413996-T-C.
Identifiers: ClinVar variation 670771 (VCV000670771.2), dbSNP rs10935028, ClinGen allele CA15243059.
Genomic context (GRCh38, chr3:132,695,152, plus strand): 5'-TGATAAAGGAAAGTGGTAGTTTTATGGGGCTGCTAGAGTCATTGGGTTTATTTTACTATA[T>C]ATAATTTAATTCAGTGCAATAAACATGCTGAAATCTATTATTTGTTAAGCAATTACTATG-3'